The following is an entry in ClinVar:

ClinVar aggregate classification (germline): Uncertain significance (1 of 4 stars; one submission).

Conditions:
Cardiovascular phenotype. Identifiers: MedGen CN230736.

Submission:

Ambry Genetics
Classification: Uncertain significance for Cardiovascular phenotype. Last evaluated: 2024-10-15. Review status: criteria provided, single submitter. Criteria: Ambry Variant Classification Scheme 2023. Collection method: clinical testing. Allele origin: germline.
Comment: The p.D169E variant (also known as c.507C>G), located in coding exon 2 of the NKX2-5 gene, results from a C to G substitution at nucleotide position 507. The aspartic acid at codon 169 is replaced by glutamic acid, an amino acid with highly similar properties. This amino acid position is conserved. In addition, the in silico prediction for this alteration is inconclusive. Based on the available evidence, the clinical significance of this variant remains unclear.

NM_004387.4(NKX2-5):c.507C>G (p.Asp169Glu)

Gene: NKX2-5 (NK2 homeobox 5; minus strand). Cytogenetic location: 5q35.1.
Variant type: single nucleotide variant.
Coding change: c.507C>G on transcript NM_004387.4 (MANE Select); coding-DNA position 507, C replaced by G.
Protein change: p.Asp169Glu; replaces aspartic acid 169 with glutamic acid.
Molecular consequence: missense variant. On other transcripts: 3 prime UTR variant (2).
Genome position (GRCh38, 1-based): chr5:173,233,037, G>C on the plus strand (C>G on the coding strand, the complement: NKX2-5 is on the minus strand). VCF-style: chr5-173233037-G-C. GRCh37 (hg19) VCF-style: chr5-172660040-G-C.
Other names: c.*460C>G (NM_001166175.2); c.*306C>G (NM_001166176.2); short protein forms D169E.
Identifiers: ClinVar variation 3405906 (VCV003405906.1).